The following is an entry in ClinVar:

ClinVar aggregate classification (germline): Benign. Review status: criteria provided, multiple submitters, no conflicts (2 of 4 stars). 3 submissions from 3 submitters: Benign (2). 1 of the submissions does not count toward it. Last evaluated 2026-02-01.

Conditions:
NFATC1-related disorder. Also called: NFATC1-related condition.

Allele frequency attached by ClinVar (database versions not stated): ESP Exome Variant Server 0.06653; 1000 Genomes Project 30x 0.04497; 1000 Genomes Project 0.04233; TOPMed 0.06434.
gnomAD v4.1: 138,021 of 1,611,804 alleles (8.6%); highest among the groups gnomAD compares: Admixed American, 14%; 6,822 homozygotes.

Submissions (17):

Labcorp Genetics (formerly Invitae), Labcorp
Classification: Benign. Last evaluated: 2026-02-01. Review status: criteria provided, single submitter. Criteria: Invitae Variant Classification Sherloc (09022015). Collection method: clinical testing. Allele origin: germline.

Breakthrough Genomics
Classification: Benign. Review status: criteria provided, single submitter. Criteria: ACMG Guidelines, 2015. Collection method: not provided. Allele origin: germline. Inheritance: Unknown mechanism. Affected: yes.

PreventionGenetics, part of Exact Sciences
Classification: Benign for NFATC1-related condition. Last evaluated: 2020-01-10. Review status: no assertion criteria provided. Collection method: clinical testing. Allele origin: germline. Not counted in ClinVar's aggregate classification.
Comment: This variant is classified as benign based on ACMG/AMP sequence variant interpretation guidelines (Richards et al. 2015 PMID: 25741868, with internal and published modifications).

Dr. Peter K. Rogan Lab, Western University
No classification provided (evidence only). Condition: Colon adenocarcinoma. Review status: no classification provided. Collection method: in vitro. Allele origin: not applicable. Functional consequence: retained intron. Not counted in ClinVar's aggregate classification.

Dr. Peter K. Rogan Lab, Western University
No classification provided (evidence only). Condition: Colon adenocarcinoma. Review status: no classification provided. Collection method: in vitro. Allele origin: not applicable. Functional consequence: retained intron. Not counted in ClinVar's aggregate classification.

Dr. Peter K. Rogan Lab, Western University
No classification provided (evidence only). Condition: Colorectal cancer. Review status: no classification provided. Collection method: in vitro. Allele origin: not applicable. Functional consequence: retained intron. Not counted in ClinVar's aggregate classification.

Dr. Peter K. Rogan Lab, Western University
No classification provided (evidence only). Condition: Uterine corpus endometrial carcinoma. Review status: no classification provided. Collection method: in vitro. Allele origin: not applicable. Functional consequence: retained intron. Not counted in ClinVar's aggregate classification.

Dr. Peter K. Rogan Lab, Western University
No classification provided (evidence only). Condition: Malignant lymphoma, large B-cell, diffuse. Review status: no classification provided. Collection method: in vitro. Allele origin: not applicable. Functional consequence: retained intron. Not counted in ClinVar's aggregate classification.

Dr. Peter K. Rogan Lab, Western University
No classification provided (evidence only). Condition: Nonpapillary renal cell carcinoma. Review status: no classification provided. Collection method: in vitro. Allele origin: not applicable. Functional consequence: retained intron. Not counted in ClinVar's aggregate classification.

Dr. Peter K. Rogan Lab, Western University
No classification provided (evidence only). Condition: Nonpapillary renal cell carcinoma. Review status: no classification provided. Collection method: in vitro. Allele origin: not applicable. Functional consequence: retained intron. Not counted in ClinVar's aggregate classification.

Dr. Peter K. Rogan Lab, Western University
No classification provided (evidence only). Condition: Nonpapillary renal cell carcinoma. Review status: no classification provided. Collection method: in vitro. Allele origin: not applicable. Functional consequence: retained intron. Not counted in ClinVar's aggregate classification.

Dr. Peter K. Rogan Lab, Western University
No classification provided (evidence only). Condition: Thymoma. Review status: no classification provided. Collection method: in vitro. Allele origin: not applicable. Functional consequence: retained intron. Not counted in ClinVar's aggregate classification.

Dr. Peter K. Rogan Lab, Western University
No classification provided (evidence only). Condition: Thymoma. Review status: no classification provided. Collection method: in vitro. Allele origin: not applicable. Functional consequence: skipped exon, retained intron. Not counted in ClinVar's aggregate classification.

Dr. Peter K. Rogan Lab, Western University
No classification provided (evidence only). Condition: Thymoma. Review status: no classification provided. Collection method: in vitro. Allele origin: not applicable. Functional consequence: retained intron. Not counted in ClinVar's aggregate classification.

Dr. Peter K. Rogan Lab, Western University
No classification provided (evidence only). Condition: Thymoma. Review status: no classification provided. Collection method: in vitro. Allele origin: not applicable. Functional consequence: retained intron. Not counted in ClinVar's aggregate classification.

Dr. Peter K. Rogan Lab, Western University
No classification provided (evidence only). Condition: Cholangiocarcinoma. Review status: no classification provided. Collection method: in vitro. Allele origin: not applicable. Functional consequence: retained intron. Not counted in ClinVar's aggregate classification.

Dr. Peter K. Rogan Lab, Western University
No classification provided (evidence only). Condition: Adrenocortical carcinoma, hereditary. Review status: no classification provided. Collection method: in vitro. Allele origin: not applicable. Functional consequence: retained intron. Not counted in ClinVar's aggregate classification.

NM_001278669.2(NFATC1):c.2289C>T (p.Gly763=)

Gene: NFATC1 (nuclear factor of activated T cells 1; plus strand). Cytogenetic location: 18q23.
Variant type: single nucleotide variant.
Coding change: c.2289C>T on transcript NM_001278669.2 (MANE Select); coding-DNA position 2289, C replaced by T.
Protein change: p.Gly763=; no amino-acid change (glycine 763 retained).
Molecular consequence: synonymous variant. On other transcripts: intron variant (2).
Genome position (GRCh38, 1-based): chr18:79,486,444, C>T. VCF-style: chr18-79486444-C-T. GRCh37 (hg19) VCF-style: chr18-77246444-C-T.
Other names: c.2289C>T (NM_001278669.1); c.873C>T, p.Gly291= (NM_001278673.2, NM_172388.3); c.2289C>T, p.Gly763= (NM_006162.5); c.2250C>T, p.Gly750= (NM_172387.3, NM_172389.3); c.2092+18862C>T (NM_001278670.2); c.2053+18862C>T (NM_001278672.2).
Identifiers: ClinVar variation 1602345 (VCV001602345.12), dbSNP rs7233684, ClinGen allele CA9009585.